The following is an entry in ClinVar:

ClinVar aggregate classification (germline): Uncertain significance (1 of 4 stars; one submission).

Submission:

Labcorp Genetics (formerly Invitae), Labcorp
Classification: Uncertain significance. Last evaluated: 2024-01-02. Review status: criteria provided, single submitter. Criteria: Invitae Variant Classification Sherloc (09022015). Collection method: clinical testing. Allele origin: germline.
Comment: This variant is a gross deletion of the genomic region encompassing exon(s) 4 of the DNA2 gene. This deletion is out-of-frame, and is expected to create a premature translational stop signal and result in an absent or disrupted protein product. However, the current clinical and genetic evidence is not sufficient to establish whether loss-of-function variants in DNA2 cause disease. This variant has not been reported in the literature in individuals affected with DNA2-related conditions. In summary, the available evidence is currently insufficient to determine the role of this variant in disease. Therefore, it has been classified as a Variant of Uncertain Significance.

NC_000010.10:g.(?_70225404)_(70225589_?)del

Gene: DNA2 (DNA replication helicase/nuclease 2; minus strand). Cytogenetic location: 10q21.3.
Variant type: Deletion.
Identifiers: ClinVar variation 2423642 (VCV002423642.4).